The following is an entry in ClinVar:

NM_000059.4(BRCA2):c.8275G>T (p.Val2759Leu)

Gene: BRCA2 (BRCA2 DNA repair associated; plus strand). Cytogenetic location: 13q13.1.
Variant type: single nucleotide variant.
Coding change: c.8275G>T on transcript NM_000059.4 (MANE Select); coding-DNA position 8275, G replaced by T.
Protein change: p.Val2759Leu; replaces valine 2759 with leucine.
Molecular consequence: missense variant.
Genome position (GRCh38, 1-based): chr13:32,363,477, G>T. VCF-style: chr13-32363477-G-T. GRCh37 (hg19) VCF-style: chr13-32937614-G-T.
Other names: short protein forms V2759L.
Identifiers: ClinVar variation 483006 (VCV000483006.14), dbSNP rs1320594065, ClinGen allele CA387750061.

ClinVar aggregate classification (germline): Conflicting classifications of pathogenicity. Review status: criteria provided, conflicting classifications (1 of 4 stars). 2 submissions from 2 submitters: Uncertain significance (1); Likely benign (1). Last evaluated 2025-04-17.

Conditions:
Hereditary cancer-predisposing syndrome. Also called: Neoplastic Syndromes, Hereditary; Tumor predisposition; Hereditary Cancer Syndrome; Hereditary neoplastic syndrome. Identifiers: Orphanet 140162, MedGen C0027672, MeSH D009386, MONDO:0015356.
Hereditary breast ovarian cancer syndrome. Also called: Hereditary breast and ovarian cancer syndrome; Hereditary breast and ovarian cancer; Hereditary breast and ovarian cancer syndrome (HBOC); Breast and ovarian cancer; Hereditary breast and/or ovarian cancer syndrome; BRCA1- and BRCA2-Associated Hereditary Breast and Ovarian Cancer. Identifiers: Orphanet 145, MedGen C0677776, MeSH D061325, MONDO:0003582. Disease mechanism: loss of function.

Submissions (2):

Ambry Genetics
Classification: Likely benign for Hereditary cancer-predisposing syndrome. Last evaluated: 2025-04-17. Review status: criteria provided, single submitter. Criteria: Ambry Variant Classification Scheme 2023. Collection method: clinical testing. Allele origin: germline.

Labcorp Genetics (formerly Invitae), Labcorp
Classification: Uncertain significance for Hereditary breast ovarian cancer syndrome. Last evaluated: 2023-04-10. Review status: criteria provided, single submitter. Criteria: Invitae Variant Classification Sherloc (09022015). Collection method: clinical testing. Allele origin: germline.
Comment: This sequence change replaces valine, which is neutral and non-polar, with leucine, which is neutral and non-polar, at codon 2759 of the BRCA2 protein (p.Val2759Leu). In summary, the available evidence is currently insufficient to determine the role of this variant in disease. Therefore, it has been classified as a Variant of Uncertain Significance. Advanced modeling of protein sequence and biophysical properties (such as structural, functional, and spatial information, amino acid conservation, physicochemical variation, residue mobility, and thermodynamic stability) performed at Invitae indicates that this missense variant is not expected to disrupt BRCA2 protein function. ClinVar contains an entry for this variant (Variation ID: 483006). This variant has not been reported in the literature in individuals affected with BRCA2-related conditions. This variant is not present in population databases (gnomAD no frequency).

Literature cited by the submitters: PubMed 39779848 (cited by Ambry Genetics).